The following is an entry in ClinVar:

NM_003611.3(OFD1):c.536T>A (p.Ile179Asn)

Gene: OFD1 (OFD1 centriole and centriolar satellite protein; plus strand). Cytogenetic location: Xp22.2.
Variant type: single nucleotide variant.
Coding change: c.536T>A on transcript NM_003611.3 (MANE Select); coding-DNA position 536, T replaced by A.
Protein change: p.Ile179Asn; replaces isoleucine 179 with asparagine.
Molecular consequence: missense variant.
Genome position (GRCh38, 1-based): chrX:13,746,337, T>A. VCF-style: chrX-13746337-T-A. GRCh37 (hg19) VCF-style: chrX-13764456-T-A.
Other names: c.536T>A, p.Ile179Asn (NM_001330209.2, NM_001440947.1, NM_001440948.1); c.116T>A, p.Ile39Asn (NM_001330210.2); short protein forms I179N, I39N.
Identifiers: ClinVar variation 4530773 (VCV004530773.1).

ClinVar aggregate classification (germline): Uncertain significance (1 of 4 stars; one submission).

Submission:

GeneDx
Classification: Uncertain significance. Last evaluated: 2025-05-24. Review status: criteria provided, single submitter. Criteria: GeneDx Variant Classification Process June 2021. Collection method: clinical testing. Allele origin: germline. Affected: yes.
Comment: Not observed at significant frequency in large population cohorts (gnomAD); In silico analysis supports that this missense variant has a deleterious effect on protein structure/function; Has not been previously published as pathogenic or benign to our knowledge